The following is an entry in ClinVar:

ClinVar aggregate classification (germline): Likely benign. Review status: criteria provided, multiple submitters, no conflicts (2 of 4 stars). 3 submissions from 3 submitters: Likely benign (3). Last evaluated 2026-09-24.

Conditions:
MID1-related disorder. Also called: MID1-related condition.
Inborn genetic diseases. Identifiers: MedGen C0950123, MeSH D030342.

Allele frequency attached by ClinVar (database versions not stated): gnomAD 0.00001 and 0.00002; ExAC 0.00002; gnomAD exomes 0.00003 and 0.00006.
gnomAD v4.1: 61 of 1,207,504 alleles (0.0051%); highest among the groups gnomAD compares: South Asian, 0.037%; no homozygotes.

Submissions (3):

PreventionGenetics, part of Exact Sciences
Classification: Likely benign for MID1-related condition. Last evaluated: 2026-09-24. Review status: criteria provided, single submitter. Criteria: ACMG Guidelines, 2015. Collection method: clinical testing. Allele origin: germline.
Comment: This variant is classified as likely benign based on ACMG/AMP sequence variant interpretation guidelines (Richards et al. 2015 PMID: 25741868, with internal and published modifications).

Labcorp Genetics (formerly Invitae), Labcorp
Classification: Likely benign. Last evaluated: 2025-10-06. Review status: criteria provided, single submitter. Criteria: Invitae Variant Classification Sherloc (09022015). Collection method: clinical testing. Allele origin: germline.

Ambry Genetics
Classification: Likely benign for Inborn genetic diseases. Last evaluated: 2022-10-06. Review status: criteria provided, single submitter. Criteria: Ambry Variant Classification Scheme 2023. Collection method: clinical testing. Allele origin: germline.

NM_000381.4(MID1):c.130A>G (p.Thr44Ala)

Gene: MID1 (midline 1; minus strand). Cytogenetic location: Xp22.2.
Variant type: single nucleotide variant.
Coding change: c.130A>G on transcript NM_000381.4 (MANE Select); coding-DNA position 130, A replaced by G.
Protein change: p.Thr44Ala; replaces threonine 44 with alanine.
Molecular consequence: missense variant.
Genome position (GRCh38, 1-based): chrX:10,567,418, T>C on the plus strand (A>G on the coding strand, the complement: MID1 is on the minus strand). VCF-style: chrX-10567418-T-C. GRCh37 (hg19) VCF-style: chrX-10535458-T-C.
Other names: c.130A>G, p.Thr44Ala (NM_001098624.2, NM_001193277.1, NM_001193278.1 and 5 more transcripts); short protein forms T44A.
Identifiers: ClinVar variation 757359 (VCV000757359.8), dbSNP rs779960944, ClinGen allele CA10347729.